The following is an entry in ClinVar:

NM_000051.4(ATM):c.6453-15C>A

Genes: ATM (ATM serine/threonine kinase; plus strand), C11orf65 (chromosome 11 open reading frame 65; minus strand). Cytogenetic location: 11q22.3.
Variant type: single nucleotide variant.
Coding change: c.6453-15C>A on transcript NM_000051.4 (MANE Select); 15 bases into the intron before coding-DNA position 6453, C replaced by A.
Molecular consequence: intron variant.
Genome position (GRCh38, 1-based): chr11:108,321,286, C>A. VCF-style: chr11-108321286-C-A. GRCh37 (hg19) VCF-style: chr11-108192013-C-A.
Other names: c.6453-15C>A (NM_001351834.2); c.641-12215G>T (NM_001330368.2); c.*39-12215G>T (NM_001351110.2).
Identifiers: ClinVar variation 384666 (VCV000384666.12), dbSNP rs763296454, ClinGen allele CA6265949.

ClinVar aggregate classification (germline): Likely benign. Review status: criteria provided, multiple submitters, no conflicts (2 of 4 stars). 4 submissions from 4 submitters: Likely benign (4). Last evaluated 2026-01-18.

Conditions:
Hereditary cancer-predisposing syndrome. Also called: Neoplastic Syndromes, Hereditary; Hereditary Cancer Syndrome; Tumor predisposition; Hereditary neoplastic syndrome. Identifiers: Orphanet 140162, MedGen C0027672, MeSH D009386, MONDO:0015356.
Familial cancer of breast. Also called: Hereditary breast cancer; BREAST CANCER, FAMILIAL; hereditary breast carcinoma. Identifiers: Orphanet 227535, MedGen C0346153, MONDO:0016419, OMIM 114480. Disease mechanism: loss of function.
Ataxia-telangiectasia syndrome (AT). Also called: LOUIS-BAR SYNDROME; Cerebello-oculocutaneous telangiectasia; Immunodeficiency with ataxia telangiectasia; Ataxia-telangiectasia, complementation group D; AT, COMPLEMENTATION GROUP C; Ataxia-telangiectasia, complementation group E. Identifiers: Orphanet 100, MedGen C0004135, MONDO:0008840, OMIM 208900.

Allele frequency attached by ClinVar (database versions not stated): TOPMed 0.00002; gnomAD 0.00003.
gnomAD v4.1: 15 of 1,613,330 alleles (0.00093%); highest among the groups gnomAD compares: East Asian, 0.022%; no homozygotes.

Submissions (4):

Labcorp Genetics (formerly Invitae), Labcorp
Classification: Likely benign for Ataxia-telangiectasia syndrome. Last evaluated: 2026-01-18. Review status: criteria provided, single submitter. Criteria: Invitae Variant Classification Sherloc (09022015). Collection method: clinical testing. Allele origin: germline.

Department of Pathology and Laboratory Medicine, Sinai Health System
Classification: Likely benign for Familial cancer of breast; Ataxia-telangiectasia syndrome. Last evaluated: 2022-05-25. Review status: criteria provided, single submitter. Criteria: ACMG Guidelines, 2015. Collection method: clinical testing. Allele origin: germline. Affected: no.

GeneDx
Classification: Likely benign. Last evaluated: 2017-10-06. Review status: criteria provided, single submitter. Criteria: GeneDx Variant Classification (06012015). Collection method: clinical testing. Allele origin: germline. Affected: yes.
Comment: This variant is considered likely benign or benign based on one or more of the following criteria: it is a conservative change, it occurs at a poorly conserved position in the protein, it is predicted to be benign by multiple in silico algorithms, and/or has population frequency not consistent with disease.

Color Diagnostics, LLC DBA Color Health
Classification: Likely benign for Hereditary cancer-predisposing syndrome. Last evaluated: 2017-01-09. Review status: criteria provided, single submitter. Criteria: ACMG Guidelines, 2015. Collection method: clinical testing. Allele origin: germline.